The following is an entry in ClinVar:

ClinVar aggregate classification (germline): Pathogenic (1 of 4 stars; one submission).

Submission:

Labcorp Genetics (formerly Invitae), Labcorp
Classification: Pathogenic. Last evaluated: 2024-06-10. Review status: criteria provided, single submitter. Criteria: Invitae Variant Classification Sherloc (09022015). Collection method: clinical testing. Allele origin: germline.
Comment: This sequence change creates a premature translational stop signal (p.Met2223Cysfs*17) in the NBAS gene. It is expected to result in an absent or disrupted protein product. Loss-of-function variants in NBAS are known to be pathogenic (PMID: 26073778, 26541327, 27789416, 28031453). This variant is present in population databases (no rsID available, gnomAD no frequency). This variant has not been reported in the literature in individuals affected with NBAS-related conditions. ClinVar contains an entry for this variant (Variation ID: 2081421). Algorithms developed to predict the effect of sequence changes on RNA splicing suggest that this variant may disrupt the consensus splice site. For these reasons, this variant has been classified as Pathogenic.

Literature cited by the submitters: PubMed 26073778; PubMed 26541327; PubMed 27789416; PubMed 28031453.

NM_015909.4(NBAS):c.6667del (p.Met2223fs)

Gene: NBAS (NBAS subunit of NRZ tethering complex; minus strand). Cytogenetic location: 2p24.3.
Variant type: Deletion.
Coding change: c.6667del on transcript NM_015909.4 (MANE Select); coding-DNA position 6667, one base deleted (A; older notation c.6667delA).
Protein change: p.Met2223fs; shifts the reading frame from methionine 2223.
Molecular consequence: frameshift variant. On other transcripts: non-coding transcript variant (1).
Genome position (GRCh38, 1-based): chr2:15,186,786, T deleted on the plus strand (A on the coding strand, the reverse complement: NBAS is on the minus strand); the first of 4 consecutive T bases (chr2:15,186,786-15,186,789); deleting any one gives the same sequence. VCF-style (leftmost placement, unchanged base first): chr2-15186785-AT-A. GRCh37 (hg19) VCF-style: chr2-15326909-AT-A.
Other names: short protein forms M2223fs.
Identifiers: ClinVar variation 2081421 (VCV002081421.4), dbSNP rs1367543388, ClinGen allele CA531209473.